The following is an entry in ClinVar:

ClinVar aggregate classification (germline): Uncertain significance (1 of 4 stars; one submission).

Conditions:
Neuropathy, hereditary sensory and autonomic, type 1C. Also called: HSAN IC; HSN IC. Identifiers: Orphanet 36386, MedGen C3150896, MONDO:0013337, OMIM 613640.

Allele frequency attached by ClinVar (database versions not stated): TOPMed below 0.00001; gnomAD 0.00001; gnomAD exomes 0.00001.

Submission:

Labcorp Genetics (formerly Invitae), Labcorp
Classification: Uncertain significance for Neuropathy, hereditary sensory and autonomic, type 1C. Last evaluated: 2022-07-12. Review status: criteria provided, single submitter. Criteria: Invitae Variant Classification Sherloc (09022015). Collection method: clinical testing. Allele origin: germline.
Comment: In summary, the available evidence is currently insufficient to determine the role of this variant in disease. Therefore, it has been classified as a Variant of Uncertain Significance. Algorithms developed to predict the effect of missense changes on protein structure and function are either unavailable or do not agree on the potential impact of this missense change (SIFT: "Deleterious"; PolyPhen-2: "Possibly Damaging"; Align-GVGD: "Class C15"). ClinVar contains an entry for this variant (Variation ID: 1056777). This variant has not been reported in the literature in individuals affected with SPTLC2-related conditions. This variant is not present in population databases (gnomAD no frequency). This sequence change replaces glycine, which is neutral and non-polar, with arginine, which is basic and polar, at codon 274 of the SPTLC2 protein (p.Gly274Arg).

NM_004863.4(SPTLC2):c.820G>A (p.Gly274Arg)

Gene: SPTLC2 (serine palmitoyltransferase long chain base subunit 2; minus strand). Cytogenetic location: 14q24.3.
Variant type: single nucleotide variant.
Coding change: c.820G>A on transcript NM_004863.4 (MANE Select); coding-DNA position 820, G replaced by A.
Protein change: p.Gly274Arg; replaces glycine 274 with arginine.
Molecular consequence: missense variant.
Genome position (GRCh38, 1-based): chr14:77,562,426, C>T on the plus strand (G>A on the coding strand, the complement: SPTLC2 is on the minus strand). VCF-style: chr14-77562426-C-T. GRCh37 (hg19) VCF-style: chr14-78028769-C-T.
Other names: short protein forms G274R.
Identifiers: ClinVar variation 1056777 (VCV001056777.9), dbSNP rs2079619821, ClinGen allele CA390710616.